The following is an entry in ClinVar:

NM_001099274.3(TINF2):c.146T>C (p.Val49Ala)

Genes: TINF2 (TERF1 interacting nuclear factor 2; minus strand), LOC130055403 (ATAC-STARR-seq lymphoblastoid active region 8199; plus strand). Cytogenetic location: 14q12.
Variant type: single nucleotide variant.
Coding change: c.146T>C on transcript NM_001099274.3 (MANE Select); coding-DNA position 146, T replaced by C.
Protein change: p.Val49Ala; replaces valine 49 with alanine.
Molecular consequence: missense variant.
Genome position (GRCh38, 1-based): chr14:24,242,187, A>G on the plus strand (T>C on the coding strand, the complement: TINF2 is on the minus strand). VCF-style: chr14-24242187-A-G. GRCh37 (hg19) VCF-style: chr14-24711393-A-G.
Other names: c.146T>C, p.Val49Ala (NM_001363668.2, NM_012461.3); short protein forms V49A.
Identifiers: ClinVar variation 1692545 (VCV001692545.1), dbSNP rs1594555802, ClinGen allele CA389235416.

ClinVar aggregate classification (germline): Uncertain significance (1 of 4 stars; one submission).

Conditions:
Dyskeratosis congenita. Identifiers: Orphanet 1775, MedGen C0265965, MONDO:0015780.

Allele frequency attached by ClinVar (database versions not stated): gnomAD exomes below 0.00001.
gnomAD v4.1: 1 of 1,614,248 alleles (0.000062%); highest among the groups gnomAD compares: Non-Finnish European, 0.000085%; no homozygotes.

Submission:

Sema4
Classification: Uncertain significance for Dyskeratosis congenita. Last evaluated: 2021-05-18. Review status: criteria provided, single submitter. Criteria: Sema4 Curation Guidelines. Collection method: curation. Allele origin: germline.
Comment: The TINF2 c.146T>C (p.V49A) variant has not been reported in the literature to our knowledge. It was not observed in the large and broad cohorts of the Genome Aggregation Database (PMID: 32461654) and has not been reported in ClinVar. In silico tools suggest the impact of the variant on protein function is inconclusive, though these predictions have not been confirmed by functional studies. The evidence is insufficient to meet ACMG/AMP criteria for classifying the variant as benign or pathogenic. Thus, the clinical significance of this variant is currently uncertain.